The following is an entry in ClinVar:

NM_003242.6(TGFBR2):c.498A>G (p.Gln166=)

Gene: TGFBR2 (transforming growth factor beta receptor 2; plus strand). Cytogenetic location: 3p24.1.
Variant type: single nucleotide variant.
Coding change: c.498A>G on transcript NM_003242.6 (MANE Select); coding-DNA position 498, A replaced by G.
Protein change: p.Gln166=; no amino-acid change (glutamine 166 retained).
Molecular consequence: synonymous variant. On other transcripts: intron variant (1).
Genome position (GRCh38, 1-based): chr3:30,671,681, A>G. VCF-style: chr3-30671681-A-G. GRCh37 (hg19) VCF-style: chr3-30713173-A-G.
Other names: c.498A>G (NM_003242.5); c.573A>G, p.Gln191= (NM_001024847.3); c.681A>G, p.Gln227= (NM_001407126.1); c.606A>G, p.Gln202= (NM_001407127.1); c.525A>G, p.Gln175= (NM_001407128.1); c.501A>G, p.Gln167= (NM_001407129.1); c.498A>G, p.Gln166= (NM_001407130.1); c.393A>G, p.Gln131= (NM_001407132.1, NM_001407133.1, NM_001407134.1 and 2 more transcripts); and 3 more.
Identifiers: ClinVar variation 1015266 (VCV001015266.7), dbSNP rs1699339065, ClinGen allele CA432917510.

ClinVar aggregate classification (germline): Uncertain significance. Review status: criteria provided, multiple submitters, no conflicts (2 of 4 stars). 2 submissions from 2 submitters: Uncertain significance (2). Last evaluated 2022-11-15.

Conditions:
Familial thoracic aortic aneurysm and aortic dissection (TAAD). Also called: Thoracic aortic aneurysms and dissections. Identifiers: Orphanet 91387, MedGen C4707243, MONDO:0019625.

Allele frequency attached by ClinVar (database versions not stated): gnomAD exomes 0.00001.
gnomAD v4.1: 5 of 1,614,206 alleles (0.00031%); highest among the groups gnomAD compares: East Asian, 0.011%; no homozygotes.

Submissions (2):

GeneDx
Classification: Uncertain significance. Last evaluated: 2022-11-15. Review status: criteria provided, single submitter. Criteria: GeneDx Variant Classification Process June 2021. Collection method: clinical testing. Allele origin: germline. Affected: yes.
Comment: Not observed at significant frequency in large population cohorts (gnomAD); In silico analysis supports a deleterious effect on splicing; Has not been previously published as pathogenic or benign to our knowledge

Labcorp Genetics (formerly Invitae), Labcorp
Classification: Uncertain significance for Familial thoracic aortic aneurysm and aortic dissection. Last evaluated: 2020-07-13. Review status: criteria provided, single submitter. Criteria: Invitae Variant Classification Sherloc (09022015). Collection method: clinical testing. Allele origin: germline.
Comment: In summary, the available evidence is currently insufficient to determine the role of this variant in disease. Therefore, it has been classified as a Variant of Uncertain Significance. Algorithms developed to predict the effect of sequence changes on RNA splicing suggest that this variant may create or strengthen a splice site, but this prediction has not been confirmed by published transcriptional studies. This variant has not been reported in the literature in individuals with TGFBR2-related conditions. This variant is not present in population databases (ExAC no frequency). This sequence change affects codon 166 of the TGFBR2 mRNA. It is a 'silent' change, meaning that it does not change the encoded amino acid sequence of the TGFBR2 protein.